The following is an entry in ClinVar:

NM_002661.5(PLCG2):c.309G>T (p.Gln103His)

Gene: PLCG2 (phospholipase C gamma 2; plus strand). Cytogenetic location: 16q23.3.
Variant type: single nucleotide variant.
Coding change: c.309G>T on transcript NM_002661.5 (MANE Select); coding-DNA position 309, G replaced by T.
Protein change: p.Gln103His; replaces glutamine 103 with histidine.
Molecular consequence: missense variant.
Genome position (GRCh38, 1-based): chr16:81,854,559, G>T. VCF-style: chr16-81854559-G-T. GRCh37 (hg19) VCF-style: chr16-81888164-G-T.
Other names: c.309G>T, p.Gln103His (NM_001425749.1, NM_001425750.1, NM_001425751.1); short protein forms Q103H.
Identifiers: ClinVar variation 2819748 (VCV002819748.3), dbSNP rs766368497, ClinGen allele CA396900698.

ClinVar aggregate classification (germline): Uncertain significance (1 of 4 stars; one submission).

Conditions:
Familial cold autoinflammatory syndrome 3 (FCAS3). Also called: FAMILIAL ATYPICAL COLD URTICARIA; ANTIBODY DEFICIENCY AND IMMUNE DYSREGULATION, PLCG2-ASSOCIATED. Identifiers: Orphanet 300359, MedGen C3280914, MONDO:0013766, OMIM 614468.

Submission:

Labcorp Genetics (formerly Invitae), Labcorp
Classification: Uncertain significance for Familial cold autoinflammatory syndrome 3. Last evaluated: 2022-12-09. Review status: criteria provided, single submitter. Criteria: Invitae Variant Classification Sherloc (09022015). Collection method: clinical testing. Allele origin: germline.
Comment: This sequence change replaces glutamine, which is neutral and polar, with histidine, which is basic and polar, at codon 103 of the PLCG2 protein (p.Gln103His). This variant is not present in population databases (gnomAD no frequency). This variant has not been reported in the literature in individuals affected with PLCG2-related conditions. Algorithms developed to predict the effect of missense changes on protein structure and function output the following: SIFT: "Tolerated"; PolyPhen-2: "Benign"; Align-GVGD: "Class C0". The histidine amino acid residue is found in multiple mammalian species, which suggests that this missense change does not adversely affect protein function. In summary, the available evidence is currently insufficient to determine the role of this variant in disease. Therefore, it has been classified as a Variant of Uncertain Significance.